The following is an entry in ClinVar:

ClinVar aggregate classification (germline): Conflicting classifications of pathogenicity. Review status: criteria provided, conflicting classifications (1 of 4 stars). 5 submissions from 5 submitters: Uncertain significance (1); Benign (1); Likely benign (3). Last evaluated 2026-03-23.

Conditions:
Autoinflammatory syndrome. Identifiers: Orphanet 93665, MedGen C3890737, MONDO:0019751.
NOD2-related disorder. Also called: NOD2-related condition.
Blau syndrome (BLAUS). Also called: GRANULOMATOSIS, FAMILIAL JUVENILE SYSTEMIC; GRANULOMATOSIS, FAMILIAL, BLAU TYPE; GRANULOMATOUS INFLAMMATORY ARTHRITIS, DERMATITIS, AND UVEITIS, FAMILIAL; JABS SYNDROME; ARTHROCUTANEOUVEAL GRANULOMATOSIS. Identifiers: Orphanet 90340, MedGen C5201146, MONDO:0008523, OMIM 186580.
Regional enteritis. Also called: Enteritis, Granulomatous. Identifiers: MedGen C0678202, MeSH D003424.

Allele frequency attached by ClinVar (database versions not stated): TOPMed 0.00015; 1000 Genomes Project 30x 0.00016; ExAC 0.00016; gnomAD exomes 0.00028 and 0.00018; ESP Exome Variant Server 0.00038; gnomAD 0.00017 and 0.00019; 1000 Genomes Project 0.00020.
gnomAD v4.1: 433 of 1,613,410 alleles (0.027%); highest among the groups gnomAD compares: Non-Finnish European, 0.032%; no homozygotes.

Submissions (5):

PreventionGenetics, part of Exact Sciences
Classification: Likely benign for NOD2-related condition. Last evaluated: 2026-03-23. Review status: criteria provided, single submitter. Criteria: ACMG Guidelines, 2015. Collection method: clinical testing. Allele origin: germline.
Comment: This variant is classified as likely benign based on ACMG/AMP sequence variant interpretation guidelines (Richards et al. 2015 PMID: 25741868, with internal and published modifications).

Labcorp Genetics (formerly Invitae), Labcorp
Classification: Benign for Regional enteritis; Blau syndrome. Last evaluated: 2026-01-14. Review status: criteria provided, single submitter. Criteria: Invitae Variant Classification Sherloc (09022015). Collection method: clinical testing. Allele origin: germline.

ARUP Laboratories, Molecular Genetics and Genomics, ARUP Laboratories
Classification: Likely benign. Last evaluated: 2025-01-27. Review status: criteria provided, single submitter. Criteria: ARUP Molecular Germline Variant Investigation Process 2024. Collection method: clinical testing. Allele origin: germline.

Blueprint Genetics
Classification: Likely benign. Last evaluated: 2024-02-27. Review status: criteria provided, single submitter. Criteria: ACMG Guidelines, 2015. Collection method: clinical testing. Allele origin: germline.

Genome Diagnostics Laboratory, The Hospital for Sick Children
Classification: Uncertain significance for Autoinflammatory syndrome. Last evaluated: 2020-04-01. Review status: criteria provided, single submitter. Criteria: ACMG Guidelines, 2015. Collection method: clinical testing. Allele origin: germline. Affected: yes.

NM_001370466.1(NOD2):c.2381+7G>T

Gene: NOD2 (nucleotide binding oligomerization domain containing 2; plus strand). Cytogenetic location: 16q12.1.
Variant type: single nucleotide variant.
Coding change: c.2381+7G>T on transcript NM_001370466.1 (MANE Select); 7 bases into the intron after coding-DNA position 2381, G replaced by T.
Molecular consequence: intron variant.
Genome position (GRCh38, 1-based): chr16:50,712,380, G>T. VCF-style: chr16-50712380-G-T. GRCh37 (hg19) VCF-style: chr16-50746291-G-T.
Other names: c.2462+7G>T (NM_022162.3); c.2381+7G>T (NM_001293557.2).
Identifiers: ClinVar variation 1165567 (VCV001165567.15), dbSNP rs202111813, ClinGen allele CA8051774.
Genomic context (GRCh38, chr16:50,712,380, plus strand): 5'-TGACATTGGCGTGGAGCAGCTGCTGCCTTGCCTTGGTGTCTGCAAGGCTCTGTAGTGAGT[G>T]TTACTGGGCATTGCTGTTCAGGTATGGGGGAGCACCATCAAGGCTAAGTGTGGGAGCACC-3'